The following is an entry in ClinVar:

NM_000384.3(APOB):c.12958A>G (p.Met4320Val)

Gene: APOB (apolipoprotein B; minus strand). Cytogenetic location: 2p24.1.
Variant type: single nucleotide variant.
Coding change: c.12958A>G on transcript NM_000384.3 (MANE Select); coding-DNA position 12958, A replaced by G.
Protein change: p.Met4320Val; replaces methionine 4320 with valine.
Molecular consequence: missense variant.
Genome position (GRCh38, 1-based): chr2:21,002,464, T>C on the plus strand (A>G on the coding strand, the complement: APOB is on the minus strand). VCF-style: chr2-21002464-T-C. GRCh37 (hg19) VCF-style: chr2-21225336-T-C.
Other names: short protein forms M4320V.
Identifiers: ClinVar variation 4540606 (VCV004540606.1), dbSNP rs1326518922.

ClinVar aggregate classification (germline): Uncertain significance (1 of 4 stars; one submission).

Conditions:
Familial hypercholesterolemia. Also called: Familial hypercholesterolaemia. Identifiers: MedGen C0020445, MONDO:0005439.

Allele frequency attached by ClinVar (database versions not stated): gnomAD 0.00001; TOPMed 0.00001.
gnomAD v4.1: 8 of 1,607,040 alleles (0.0005%); highest among the groups gnomAD compares: Non-Finnish European, 0.00068%; no homozygotes.

Submission:

Cambridge Genomics Laboratory, East Genomic Laboratory Hub, NHS Genomic Medicine Service
Classification: Uncertain significance for Familial hypercholesterolaemia. Last evaluated: 2025-10-13. Review status: criteria provided, single submitter. Criteria: ACGS Best Practice Guidelines for Variant Classification in Rare Disease 2020. Collection method: clinical testing. Allele origin: germline. Affected: yes.
Comment: PM2_Supporting,PP4